The following is an entry in ClinVar:

NM_153252.5(BRWD3):c.3602+15A>C

Gene: BRWD3 (bromodomain and WD repeat domain containing 3; minus strand). Cytogenetic location: Xq21.1.
Variant type: single nucleotide variant.
Coding change: c.3602+15A>C on transcript NM_153252.5 (MANE Select); 15 bases into the intron after coding-DNA position 3602, A replaced by C.
Molecular consequence: intron variant.
Genome position (GRCh38, 1-based): chrX:80,691,038, T>G on the plus strand (A>C on the coding strand, the complement: BRWD3 is on the minus strand). VCF-style: chrX-80691038-T-G. GRCh37 (hg19) VCF-style: chrX-79946537-T-G.
Identifiers: ClinVar variation 914752 (VCV000914752.11), dbSNP rs374172860, ClinGen allele CA10461814.

ClinVar aggregate classification (germline): Benign. Review status: criteria provided, multiple submitters, no conflicts (2 of 4 stars). 2 submissions from 2 submitters: Benign (2). Last evaluated 2025-09-08.

Conditions:
Intellectual developmental disorder, X-linked 93. Also called: Intellectual disability, X-linked 93; MENTAL RETARDATION, X-LINKED, WITH MACROCEPHALY. Identifiers: MedGen C1970841, MONDO:0010393, OMIM 300659.

Allele frequency attached by ClinVar (database versions not stated): TOPMed 0.00011; ESP Exome Variant Server 0.00019; ExAC 0.00007.
gnomAD v4.1: 190 of 1,180,670 alleles (0.016%); highest among the groups gnomAD compares: Middle Eastern, 0.14%; 1 homozygote.

Submissions (2):

Labcorp Genetics (formerly Invitae), Labcorp
Classification: Benign. Last evaluated: 2025-09-08. Review status: criteria provided, single submitter. Criteria: Invitae Variant Classification Sherloc (09022015). Collection method: clinical testing. Allele origin: germline.

Illumina Laboratory Services, Illumina
Classification: Benign for Intellectual developmental disorder, X-linked 93. Last evaluated: 2018-01-13. Review status: criteria provided, single submitter. Criteria: ICSL Variant Classification Criteria 13 December 2019. Collection method: clinical testing. Allele origin: germline.
Comment: This variant was observed in the ICSL laboratory as part of a predisposition screen in an ostensibly healthy population. It had not been previously curated by ICSL or reported in the Human Gene Mutation Database (HGMD: prior to June 1st, 2018), and was therefore a candidate for classification through an automated scoring system. Utilizing variant allele frequency, disease prevalence and penetrance estimates, and inheritance mode, an automated score was calculated to assess if this variant is too frequent to cause the disease. Based on the score and internal cut-off values, a variant classified as benign is not then subjected to further curation. The score for this variant resulted in a classification of benign for this disease.